The following is an entry in ClinVar:

ClinVar aggregate classification (germline): Pathogenic/Likely pathogenic. Review status: criteria provided, multiple submitters, no conflicts (2 of 4 stars). 2 submissions from 2 submitters: Pathogenic (1); Likely pathogenic (1). Last evaluated 2025-10-26.

Conditions:
IMPG1-related disorder. Also called: IMPG1-related condition.

Allele frequency attached by ClinVar (database versions not stated): gnomAD exomes 0.00001.

Submissions (2):

Labcorp Genetics (formerly Invitae), Labcorp
Classification: Pathogenic. Last evaluated: 2025-10-26. Review status: criteria provided, single submitter. Criteria: Invitae Variant Classification Sherloc (09022015). Collection method: clinical testing. Allele origin: germline.
Comment: This sequence change creates a premature translational stop signal (p.Thr305Asnfs*5) in the IMPG1 gene. It is expected to result in an absent or disrupted protein product. Loss-of-function variants in IMPG1 are known to be pathogenic (PMID: 23993198). This variant is present in population databases (no rsID available, gnomAD 0.007%). This variant has not been reported in the literature in individuals affected with IMPG1-related conditions. ClinVar contains an entry for this variant (Variation ID: 1006820). For these reasons, this variant has been classified as Pathogenic.

Blueprint Genetics
Classification: Likely pathogenic for IMPG1-related disorders. Last evaluated: 2022-07-11. Review status: criteria provided, single submitter. Criteria: ACMG Guidelines, 2015. Collection method: clinical testing. Allele origin: germline. Affected: yes. Observed: 1 variant allele.

Literature cited by the submitters: PubMed 23993198 (cited by Labcorp Genetics (formerly Invitae), Labcorp).

NM_001563.4(IMPG1):c.913dup (p.Thr305fs)

Gene: IMPG1 (interphotoreceptor matrix proteoglycan 1; minus strand). Cytogenetic location: 6q14.1.
Variant type: Duplication.
Coding change: c.913dup on transcript NM_001563.4 (MANE Select); coding-DNA position 913, one base duplicated (A; older notation c.913dupA).
Protein change: p.Thr305fs; shifts the reading frame from threonine 305.
Molecular consequence: frameshift variant.
Genome position (GRCh38, 1-based): chr6:76,005,509, T duplicated on the plus strand (A on the coding strand, the reverse complement: IMPG1 is on the minus strand). VCF-style (leftmost placement, unchanged base first): chr6-76005508-G-GT. GRCh37 (hg19) VCF-style: chr6-76715225-G-GT.
Other names: c.679dup, p.Thr227fs (NM_001282368.2); short protein forms T227fs, T305fs.
Identifiers: ClinVar variation 1006820 (VCV001006820.7), dbSNP rs1562366625, ClinGen allele CA568598696.
Genomic context (GRCh38, chr6:76,005,508, plus strand): 5'-AAAGACAGGAGGTCACTTGCAGGGCTTTTTGCTTCTGCACTGTGTCTCTTAAAGATGGCC[G>GT]TAAGTTGCATCTCTGTGGAGCTTGAGCTGTAGATAGCAGAGGACACATTCCCCACCCAAA-3'